The following is an entry in ClinVar:

NM_001165963.4(SCN1A):c.2331del (p.Ile776_Cys777insTer)

Gene: SCN1A (sodium voltage-gated channel alpha subunit 1; minus strand). Cytogenetic location: 2q24.3.
Variant type: Deletion.
Coding change: c.2331del on transcript NM_001165963.4 (MANE Select); coding-DNA position 2331, one base deleted (T; older notation c.2331delT).
Protein change: p.Ile776_Cys777insTer.
Molecular consequence: nonsense. On other transcripts: 5 prime UTR variant (1), non-coding transcript variant (1).
Genome position (GRCh38, 1-based): chr2:166,041,315, A deleted on the plus strand (T on the coding strand, the reverse complement: SCN1A is on the minus strand). VCF-style (leftmost placement, unchanged base first): chr2-166041314-TA-T. GRCh37 (hg19) VCF-style: chr2-166897824-TA-T.
Other names: c.2247del, p.Ile748_Cys749insTer (NM_001165964.3, NM_001353957.2, NM_001353958.2); c.2331del, p.Ile776_Cys777insTer (NM_001202435.3, NM_001353948.2); c.2298del, p.Ile765_Cys766insTer (NM_001353949.2, NM_001353950.2, NM_001353951.2 and 2 more transcripts); c.2295del, p.Ile764_Cys765insTer (NM_001353954.2, NM_001353955.2); c.2244del, p.Ile747_Cys748insTer (NM_001353960.2); c.-128del (NM_001353961.2).
Identifiers: ClinVar variation 280831 (VCV000280831.2), dbSNP rs886041969, ClinGen allele CA10602801.
Genomic context (GRCh38, chr2:166,041,314, plus strand): 5'-TATTGAAATGGTCCGTCATTGGATAGTGCTCCATGGCCATGAAAAGAGTATTTAAGACAA[TA>T]CAGATGGTGATGGCCAGGTCAACAAATGGGTCCATCACAACCAGGTTGACAACATGTTTC-3'

ClinVar aggregate classification (germline): Pathogenic (1 of 4 stars; one submission).

Submission:

GeneDx
Classification: Pathogenic. Last evaluated: 2016-09-20. Review status: criteria provided, single submitter. Criteria: GeneDx Variant Classification (06012015). Collection method: clinical testing. Allele origin: germline. Affected: yes.
Comment: The c.2331delT pathogenic variant in the SCN1A gene causes a frameshift starting with codon Cysteine 777 and changes this amino acid to a premature Stop codon, denoted p.Cys777Ter. This pathogenic variant is predicted to cause loss of normal protein function either through protein truncation or nonsense-mediated mRNA decay. This pathogenic variant has not been previously reported to our knowledge.